The following is an entry in ClinVar:

ClinVar aggregate classification (germline): Uncertain significance (1 of 4 stars; one submission).

Conditions:
Idiopathic generalized epilepsy. Also called: EIG; Generalised epilepsy. Identifiers: MedGen C0270850, MONDO:0005579, OMIM 600669.
Hyperaldosteronism, familial, type IV (HALD4). Also called: ALDOSTERONISM, PRIMARY, AND HYPERTENSION; FH IV. Identifiers: Orphanet 642671, MedGen C4310756, MONDO:0014875, OMIM 617027.

Submission:

Labcorp Genetics (formerly Invitae), Labcorp
Classification: Uncertain significance for Idiopathic generalized epilepsy; Hyperaldosteronism, familial, type IV. Last evaluated: 2022-02-02. Review status: criteria provided, single submitter. Criteria: Invitae Variant Classification Sherloc (09022015). Collection method: clinical testing. Allele origin: germline.
Comment: In summary, the available evidence is currently insufficient to determine the role of this variant in disease. Therefore, it has been classified as a Variant of Uncertain Significance. Algorithms developed to predict the effect of missense changes on protein structure and function (SIFT, PolyPhen-2, Align-GVGD) all suggest that this variant is likely to be disruptive. This variant has not been reported in the literature in individuals affected with CACNA1H-related conditions. This variant is not present in population databases (gnomAD no frequency). This sequence change replaces histidine, which is basic and polar, with proline, which is neutral and non-polar, at codon 1611 of the CACNA1H protein (p.His1611Pro).

NM_021098.3(CACNA1H):c.4832A>C (p.His1611Pro)

Gene: CACNA1H (calcium voltage-gated channel subunit alpha1 H; plus strand). Cytogenetic location: 16p13.3.
Variant type: single nucleotide variant.
Coding change: c.4832A>C on transcript NM_021098.3 (MANE Select); coding-DNA position 4832, A replaced by C.
Protein change: p.His1611Pro; replaces histidine 1611 with proline.
Molecular consequence: missense variant.
Genome position (GRCh38, 1-based): chr16:1,213,834, A>C. VCF-style: chr16-1213834-A-C. GRCh37 (hg19) VCF-style: chr16-1263834-A-C.
Other names: c.4814A>C, p.His1605Pro (NM_001005407.2); short protein forms H1605P, H1611P.
Identifiers: ClinVar variation 2092157 (VCV002092157.4), dbSNP rs1263415810, ClinGen allele CA394145214.
Genomic context (GRCh38, chr16:1,213,834, plus strand): 5'-CCGCAGAGGCCCAGCGCCGGCCCTACTATGCCGACTACTCGCCCACGCGCCGCTCCATTC[A>C]CTCGCTGTGCACCAGCCACTATCTCGACCTCTTCATCACCTTCATCATCTGTGTCAACGT-3'
Protein context (NP_066921.2, residues 1601-1621): ADYSPTRRSI[His1611Pro]SLCTSHYLDL